The following is an entry in ClinVar:

NM_152393.4(KLHL40):c.386G>C (p.Cys129Ser)

Gene: KLHL40 (kelch like family member 40; plus strand). Cytogenetic location: 3p22.1.
Variant type: single nucleotide variant.
Coding change: c.386G>C on transcript NM_152393.4 (MANE Select); coding-DNA position 386, G replaced by C.
Protein change: p.Cys129Ser; replaces cysteine 129 with serine.
Molecular consequence: missense variant.
Genome position (GRCh38, 1-based): chr3:42,686,004, G>C. VCF-style: chr3-42686004-G-C. GRCh37 (hg19) VCF-style: chr3-42727496-G-C.
Other names: c.386G>C (NM_152393.2); short protein forms C129S.
Identifiers: ClinVar variation 961426 (VCV000961426.8), dbSNP rs751036389, ClinGen allele CA2336640.

ClinVar aggregate classification (germline): Uncertain significance. Review status: criteria provided, multiple submitters, no conflicts (2 of 4 stars). 2 submissions from 2 submitters: Uncertain significance (2). Last evaluated 2024-04-25.

Conditions:
Inborn genetic diseases. Identifiers: MedGen C0950123, MeSH D030342.
Nemaline myopathy 8 (NEM8). Also called: Nemaline myopathy 8, autosomal recessive. Identifiers: Orphanet 171430, MedGen C3809209, MONDO:0014138, OMIM 615348.

Allele frequency attached by ClinVar (database versions not stated): gnomAD exomes below 0.00001; ExAC 0.00001; gnomAD 0.00001; TOPMed 0.00002.

Submissions (2):

Labcorp Genetics (formerly Invitae), Labcorp
Classification: Uncertain significance for Nemaline myopathy 8. Last evaluated: 2024-04-25. Review status: criteria provided, single submitter. Criteria: Invitae Variant Classification Sherloc (09022015). Collection method: clinical testing. Allele origin: germline.
Comment: This sequence change replaces cysteine, which is neutral and slightly polar, with serine, which is neutral and polar, at codon 129 of the KLHL40 protein (p.Cys129Ser). This variant is present in population databases (rs751036389, gnomAD 0.0009%). This variant has not been reported in the literature in individuals affected with KLHL40-related conditions. ClinVar contains an entry for this variant (Variation ID: 961426). Advanced modeling of protein sequence and biophysical properties (such as structural, functional, and spatial information, amino acid conservation, physicochemical variation, residue mobility, and thermodynamic stability) performed at Invitae indicates that this missense variant is not expected to disrupt KLHL40 protein function with a negative predictive value of 80%. In summary, the available evidence is currently insufficient to determine the role of this variant in disease. Therefore, it has been classified as a Variant of Uncertain Significance.

Ambry Genetics
Classification: Uncertain significance for Inborn genetic diseases. Last evaluated: 2023-02-23. Review status: criteria provided, single submitter. Criteria: Ambry Variant Classification Scheme 2023. Collection method: clinical testing. Allele origin: germline.